The following is an entry in ClinVar:

NM_004385.5(VCAN):c.2765G>C (p.Gly922Ala)

Gene: VCAN (versican; plus strand). Cytogenetic location: 5q14.3.
Variant type: single nucleotide variant.
Coding change: c.2765G>C on transcript NM_004385.5 (MANE Select); coding-DNA position 2765, G replaced by C.
Protein change: p.Gly922Ala; replaces glycine 922 with alanine.
Molecular consequence: missense variant. On other transcripts: intron variant (2).
Genome position (GRCh38, 1-based): chr5:83,521,071, G>C. VCF-style: chr5-83521071-G-C. GRCh37 (hg19) VCF-style: chr5-82816890-G-C.
Other names: c.2765G>C, p.Gly922Ala (NM_001164098.2); c.1042+8675G>C (NM_001164097.2, NM_001126336.3); short protein forms G922A.
Identifiers: ClinVar variation 1043533 (VCV001043533.6), dbSNP rs769007714, ClinGen allele CA3332892.

ClinVar aggregate classification (germline): Uncertain significance (1 of 4 stars; one submission).

Allele frequency attached by ClinVar (database versions not stated): ExAC 0.00001; gnomAD 0.00001; gnomAD exomes 0.00001; TOPMed 0.00001.
gnomAD v4.1: 13 of 1,613,954 alleles (0.00081%); highest among the groups gnomAD compares: African/African-American, 0.0053%; no homozygotes.

Submission:

Labcorp Genetics (formerly Invitae), Labcorp
Classification: Uncertain significance. Last evaluated: 2025-02-03. Review status: criteria provided, single submitter. Criteria: Invitae Variant Classification Sherloc (09022015). Collection method: clinical testing. Allele origin: germline.
Comment: This sequence change replaces glycine, which is neutral and non-polar, with alanine, which is neutral and non-polar, at codon 922 of the VCAN protein (p.Gly922Ala). This variant is present in population databases (rs769007714, gnomAD 0.002%). This missense change has been observed in individual(s) with retinitis pigmentosa (internal data). ClinVar contains an entry for this variant (Variation ID: 1043533). An algorithm developed to predict the effect of missense changes on protein structure and function (PolyPhen-2) suggests that this variant is likely to be disruptive. In summary, the available evidence is currently insufficient to determine the role of this variant in disease. Therefore, it has been classified as a Variant of Uncertain Significance.